The following is an entry in ClinVar:

NM_012470.4(TNPO3):c.1783-303AAT[3]

Gene: TNPO3 (transportin 3; minus strand). Cytogenetic location: 7q32.1.
Variant type: Microsatellite.
Coding change: c.1783-303AAT[3] on transcript NM_012470.4 (MANE Select); three copies in a row of the 3-base unit AAT starting at c.1783-303; the reference has four copies in a row; one copy, 3 bases deleted.
Molecular consequence: intron variant.
Genome position (GRCh38, 1-based): chr7:128,982,616-128,982,618, ATT deleted on the plus strand (AAT on the coding strand, the reverse complement: TNPO3 is on the minus strand); deleting any 3 consecutive bases within chr7:128,982,616-128,982,628 gives the same sequence; the position shown is the placement nearest the transcript's 3' end. VCF-style (leftmost placement, unchanged base first): chr7-128982615-AATT-A. GRCh37 (hg19) VCF-style: chr7-128622669-AATT-A.
Other names: c.1639-303AAT[3] (NM_001382221.1); c.1636-303AAT[3] (NM_001382222.1); c.1675-303AAT[3] (NM_001382219.1); c.1591-303AAT[3] (NM_001382223.1, NM_001191028.3); c.1783-303AAT[3] (NM_001382220.1, NM_001382218.1); c.1885-303AAT[3] (NM_001382216.1); c.1864-303AAT[3] (NM_001382217.1).
Identifiers: ClinVar variation 673810 (VCV000673810.1), dbSNP rs199516284, ClinGen allele CA166212431.

ClinVar aggregate classification (germline): Likely benign (1 of 4 stars; one submission).

Submission:

GeneDx
Classification: Likely benign. Last evaluated: 2018-06-16. Review status: criteria provided, single submitter. Criteria: GeneDx Variant Classification (06012015). Collection method: clinical testing. Allele origin: germline. Affected: yes.
Comment: This variant is considered likely benign or benign based on one or more of the following criteria: it is a conservative change, it occurs at a poorly conserved position in the protein, it is predicted to be benign by multiple in silico algorithms, and/or has population frequency not consistent with disease.